The following is an entry in ClinVar:

NM_016507.4(CDK12):c.3977T>C (p.Met1326Thr)

Gene: CDK12 (cyclin dependent kinase 12; plus strand). Cytogenetic location: 17q12.
Variant type: single nucleotide variant.
Coding change: c.3977T>C on transcript NM_016507.4 (MANE Select); coding-DNA position 3977, T replaced by C.
Protein change: p.Met1326Thr; replaces methionine 1326 with threonine.
Molecular consequence: missense variant.
Genome position (GRCh38, 1-based): chr17:39,530,820, T>C. VCF-style: chr17-39530820-T-C. GRCh37 (hg19) VCF-style: chr17-37687073-T-C.
Other names: c.3950T>C, p.Met1317Thr (NM_015083.4); short protein forms M1317T, M1326T.
Identifiers: ClinVar variation 3489256 (VCV003489256.1).
Genomic context (GRCh38, chr17:39,530,820, plus strand): 5'-CCCAGCCTGAAGCAGAGCCTCCTGGCCACCTGCCACATGAGCACCAGGCCTTGAGACCAA[T>C]GGAGTACTCCACCCGACCCCGTCCAAACAGGACTTATGGAAACACTGATGGGCCTGAAAC-3'
Protein context (NP_057591.2, residues 1316-1336): LPHEHQALRP[Met1326Thr]EYSTRPRPNR

ClinVar aggregate classification (germline): Uncertain significance (1 of 4 stars; one submission).

Submission:

Ambry Genetics
Classification: Uncertain significance. Last evaluated: 2024-11-23. Review status: criteria provided, single submitter. Criteria: Ambry Variant Classification Scheme 2023. Collection method: clinical testing. Allele origin: germline.
Comment: The p.M1326T variant (also known as c.3977T>C), located in coding exon 14 of the CDK12 gene, results from a T to C substitution at nucleotide position 3977. The methionine at codon 1326 is replaced by threonine, an amino acid with similar properties. This amino acid position is conserved. In addition, this alteration is predicted to be tolerated by in silico analysis. Based on the available evidence, the clinical significance of this variant remains unclear.